The following is an entry in ClinVar:

NM_006514.4(SCN10A):c.229G>A (p.Glu77Lys)

Gene: SCN10A (sodium voltage-gated channel alpha subunit 10; minus strand). Cytogenetic location: 3p22.2.
Variant type: single nucleotide variant.
Coding change: c.229G>A on transcript NM_006514.4 (MANE Select); coding-DNA position 229, G replaced by A.
Protein change: p.Glu77Lys; replaces glutamic acid 77 with lysine.
Molecular consequence: missense variant.
Genome position (GRCh38, 1-based): chr3:38,793,782, C>T on the plus strand (G>A on the coding strand, the complement: SCN10A is on the minus strand). VCF-style: chr3-38793782-C-T. GRCh37 (hg19) VCF-style: chr3-38835273-C-T.
Other names: c.229G>A, p.Glu77Lys (NM_001293306.2, NM_001293307.2); short protein forms E77K.
Identifiers: ClinVar variation 1789230 (VCV001789230.2), dbSNP rs1429242461, ClinGen allele CA352162613.

ClinVar aggregate classification (germline): Uncertain significance (1 of 4 stars; one submission).

Conditions:
Cardiovascular phenotype. Identifiers: MedGen CN230736.

Allele frequency attached by ClinVar (database versions not stated): gnomAD exomes below 0.00001.
gnomAD v4.1: 1 of 1,613,858 alleles (0.000062%); highest among the groups gnomAD compares: East Asian, 0.0022%; no homozygotes.

Submission:

Ambry Genetics
Classification: Uncertain significance for Cardiovascular phenotype. Last evaluated: 2022-08-30. Review status: criteria provided, single submitter. Criteria: Ambry Variant Classification Scheme 2023. Collection method: clinical testing. Allele origin: germline.
Comment: The p.E77K variant (also known as c.229G>A), located in coding exon 1 of the SCN10A gene, results from a G to A substitution at nucleotide position 229. The glutamic acid at codon 77 is replaced by lysine, an amino acid with similar properties. This amino acid position is conserved. In addition, the in silico prediction for this alteration is inconclusive. Since supporting evidence is limited at this time, the clinical significance of this alteration remains unclear.